The following is an entry in ClinVar:

NM_001184880.2(PCDH19):c.3046G>A (p.Ala1016Thr)

Gene: PCDH19 (protocadherin 19; minus strand). Cytogenetic location: Xq22.1.
Variant type: single nucleotide variant.
Coding change: c.3046G>A on transcript NM_001184880.2 (MANE Select); coding-DNA position 3046, G replaced by A.
Protein change: p.Ala1016Thr; replaces alanine 1016 with threonine.
Molecular consequence: missense variant.
Genome position (GRCh38, 1-based): chrX:100,296,678, C>T on the plus strand (G>A on the coding strand, the complement: PCDH19 is on the minus strand). VCF-style: chrX-100296678-C-T. GRCh37 (hg19) VCF-style: chrX-99551676-C-T.
Other names: c.2905G>A, p.Ala969Thr (NM_001105243.2); c.2902G>A, p.Ala968Thr (NM_020766.3); short protein forms A1016T, A968T, A969T.
Identifiers: ClinVar variation 1024227 (VCV001024227.11), dbSNP rs1327141854, ClinGen allele CA414000571.
Genomic context (GRCh38, chrX:100,296,678, plus strand): 5'-TGCCTTTCAGGGTAGGCCTCTCCTCAGCCGGGTGGTCGCTGACATCTTTCCCAAAGGTTG[C>T]GAAAGTCCGTTTGGTGGGGCCGCAGTCGTCATAAGCCTCGACATCAGCAGCAGTAGCTTC-3'
Protein context (NP_001171809.1, residues 1006-1026): DDCGPTKRTF[Ala1016Thr]TFGKDVSDHP

ClinVar aggregate classification (germline): Uncertain significance (1 of 4 stars; one submission).

Conditions:
Developmental and epileptic encephalopathy, 9 (DEE9). Also called: Early infantile epileptic encephalopathy 9; PCDH19-Related X-Linked Female-Limited Epilepsy with Mental Retardation; EPILEPSY, FEMALE-RESTRICTED, WITH MENTAL RETARDATION; JUBERG-HELLMAN SYNDROME. Identifiers: Orphanet 101039, Orphanet 2076, MedGen C1848137, MONDO:0010246, OMIM 300088. Disease mechanism: loss of function.

Allele frequency attached by ClinVar (database versions not stated): gnomAD exomes below 0.00001.
gnomAD v4.1: 1 of 1,211,258 alleles (0.000083%); no homozygotes.

Submission:

Labcorp Genetics (formerly Invitae), Labcorp
Classification: Uncertain significance for Developmental and epileptic encephalopathy, 9. Last evaluated: 2020-08-29. Review status: criteria provided, single submitter. Criteria: Invitae Variant Classification Sherloc (09022015). Collection method: clinical testing. Allele origin: germline.
Comment: In summary, the available evidence is currently insufficient to determine the role of this variant in disease. Therefore, it has been classified as a Variant of Uncertain Significance. Algorithms developed to predict the effect of missense changes on protein structure and function are either unavailable or do not agree on the potential impact of this missense change (SIFT: "Deleterious"; PolyPhen-2: "Benign"; Align-GVGD: "Class C0"). This variant has not been reported in the literature in individuals with PCDH19-related conditions. This variant is not present in population databases (ExAC no frequency). This sequence change replaces alanine with threonine at codon 1016 of the PCDH19 protein (p.Ala1016Thr). The alanine residue is highly conserved and there is a small physicochemical difference between alanine and threonine.